The following is an entry in ClinVar:

ClinVar aggregate classification (germline): Uncertain significance. Review status: criteria provided, multiple submitters, no conflicts (2 of 4 stars). 2 submissions from 2 submitters: Uncertain significance (2). Last evaluated 2024-10-22.

Conditions:
Hereditary cancer-predisposing syndrome. Also called: Hereditary Cancer Syndrome; Hereditary neoplastic syndrome; Neoplastic Syndromes, Hereditary; Tumor predisposition. Identifiers: Orphanet 140162, MedGen C0027672, MeSH D009386, MONDO:0015356.
Ataxia-telangiectasia syndrome (AT). Also called: LOUIS-BAR SYNDROME; Cerebello-oculocutaneous telangiectasia; Immunodeficiency with ataxia telangiectasia; Ataxia-telangiectasia, complementation group E; Ataxia-telangiectasia, complementation group D; AT, COMPLEMENTATION GROUP C. Identifiers: Orphanet 100, MedGen C0004135, MONDO:0008840, OMIM 208900.

Submissions (2):

Labcorp Genetics (formerly Invitae), Labcorp
Classification: Uncertain significance for Ataxia-telangiectasia syndrome. Last evaluated: 2024-10-22. Review status: criteria provided, single submitter. Criteria: Invitae Variant Classification Sherloc (09022015). Collection method: clinical testing. Allele origin: germline.
Comment: This sequence change replaces threonine, which is neutral and polar, with asparagine, which is neutral and polar, at codon 2858 of the ATM protein (p.Thr2858Asn). This variant is not present in population databases (gnomAD no frequency). This variant has not been reported in the literature in individuals affected with ATM-related conditions. ClinVar contains an entry for this variant (Variation ID: 2587817). Invitae Evidence Modeling of protein sequence and biophysical properties (such as structural, functional, and spatial information, amino acid conservation, physicochemical variation, residue mobility, and thermodynamic stability) indicates that this missense variant is expected to disrupt ATM protein function with a positive predictive value of 95%. In summary, the available evidence is currently insufficient to determine the role of this variant in disease. Therefore, it has been classified as a Variant of Uncertain Significance.

Ambry Genetics
Classification: Uncertain significance for Hereditary cancer-predisposing syndrome. Last evaluated: 2023-09-04. Review status: criteria provided, single submitter. Criteria: Ambry Variant Classification Scheme 2023. Collection method: clinical testing. Allele origin: germline.
Comment: The p.T2858N variant (also known as c.8573C>A), located in coding exon 57 of the ATM gene, results from a C to A substitution at nucleotide position 8573. The threonine at codon 2858 is replaced by asparagine, an amino acid with similar properties. This amino acid position is conserved. In addition, the in silico prediction for this alteration is inconclusive. Since supporting evidence is limited at this time, the clinical significance of this alteration remains unclear.

NM_000051.4(ATM):c.8573C>A (p.Thr2858Asn)

Genes: ATM (ATM serine/threonine kinase; plus strand), C11orf65 (chromosome 11 open reading frame 65; minus strand). Cytogenetic location: 11q22.3.
Variant type: single nucleotide variant.
Coding change: c.8573C>A on transcript NM_000051.4 (MANE Select); coding-DNA position 8573, C replaced by A.
Protein change: p.Thr2858Asn; replaces threonine 2858 with asparagine.
Molecular consequence: missense variant. On other transcripts: intron variant (2).
Genome position (GRCh38, 1-based): chr11:108,345,897, C>A. VCF-style: chr11-108345897-C-A. GRCh37 (hg19) VCF-style: chr11-108216624-C-A.
Other names: c.8573C>A, p.Thr2858Asn (NM_001351834.2); c.641-36826G>T (NM_001330368.2); c.695-10605G>T (NM_001351110.2); short protein forms T2858N.
Identifiers: ClinVar variation 2587817 (VCV002587817.4), dbSNP rs2137038028, ClinGen allele CA382518713.